The following is an entry in ClinVar:

NM_177972.3(TUB):c.304A>G (p.Thr102Ala)

Genes: RIC3 (RIC3 acetylcholine receptor chaperone; minus strand), TUB (TUB bipartite transcription factor; plus strand). Cytogenetic location: 11p15.4.
Variant type: single nucleotide variant.
Coding change: c.304A>G on transcript NM_177972.3 (MANE Select); coding-DNA position 304, A replaced by G.
Protein change: p.Thr102Ala; replaces threonine 102 with alanine.
Molecular consequence: missense variant. On other transcripts: non-coding transcript variant (1).
Genome position (GRCh38, 1-based): chr11:8,094,096, A>G. VCF-style: chr11-8094096-A-G. GRCh37 (hg19) VCF-style: chr11-8115643-A-G.
Other names: c.469A>G, p.Thr157Ala (NM_003320.5); c.469A>G (NM_003320.4); short protein forms T102A, T157A.
Identifiers: ClinVar variation 1000325 (VCV001000325.8), dbSNP rs1163600570, ClinGen allele CA379564602.

ClinVar aggregate classification (germline): Uncertain significance. Review status: criteria provided, multiple submitters, no conflicts (2 of 4 stars). 2 submissions from 2 submitters: Uncertain significance (2). Last evaluated 2025-04-08.

Submissions (2):

Ambry Genetics
Classification: Uncertain significance. Last evaluated: 2025-04-08. Review status: criteria provided, single submitter. Criteria: Ambry Variant Classification Scheme 2023. Collection method: clinical testing. Allele origin: germline.

Labcorp Genetics (formerly Invitae), Labcorp
Classification: Uncertain significance. Last evaluated: 2022-02-05. Review status: criteria provided, single submitter. Criteria: Invitae Variant Classification Sherloc (09022015). Collection method: clinical testing. Allele origin: germline.
Comment: In summary, the available evidence is currently insufficient to determine the role of this variant in disease. Therefore, it has been classified as a Variant of Uncertain Significance. Algorithms developed to predict the effect of missense changes on protein structure and function output the following: SIFT: "Tolerated"; PolyPhen-2: "Benign"; Align-GVGD: "Class C0". The alanine amino acid residue is found in multiple mammalian species, which suggests that this missense change does not adversely affect protein function. ClinVar contains an entry for this variant (Variation ID: 1000325). This variant has not been reported in the literature in individuals affected with TUB-related conditions. This variant is not present in population databases (gnomAD no frequency). This sequence change replaces threonine, which is neutral and polar, with alanine, which is neutral and non-polar, at codon 157 of the TUB protein (p.Thr157Ala).